The following is an entry in ClinVar:

ClinVar aggregate classification (germline): Likely pathogenic (1 of 4 stars; one submission).

Conditions:
X-linked agammaglobulinemia with growth hormone deficiency (IGHD3). Also called: HYPOGAMMAGLOBULINEMIA AND ISOLATED GROWTH HORMONE DEFICIENCY, X-LINKED; IGHD III; AGAMMAGLOBULINEMIA AND ISOLATED GROWTH HORMONE DEFICIENCY, X-LINKED; FLEISHER SYNDROME; ISOLATED GROWTH HORMONE DEFICIENCY, TYPE III, WITH AGAMMAGLOBULINEMIA; Isolated growth hormone deficiency type 3. Identifiers: Orphanet 231692, Orphanet 631, MedGen C0472813, MONDO:0010615, OMIM 307200.

Submission:

Labcorp Genetics (formerly Invitae), Labcorp
Classification: Likely pathogenic for X-linked agammaglobulinemia with growth hormone deficiency. Last evaluated: 2026-01-11. Review status: criteria provided, single submitter. Criteria: Invitae Variant Classification Sherloc (09022015). Collection method: clinical testing. Allele origin: germline.
Comment: This sequence change replaces glutamic acid, which is acidic and polar, with aspartic acid, which is acidic and polar, at codon 589 of the BTK protein (p.Glu589Asp). This variant is not present in population databases (gnomAD no frequency). This missense change has been observed in individual(s) with clinical features of BTK-related conditions (PMID: 9545398; internal data). Invitae Evidence Modeling of protein sequence and biophysical properties (such as structural, functional, and spatial information, amino acid conservation, physicochemical variation, residue mobility, and thermodynamic stability) indicates that this missense variant is expected to disrupt BTK protein function with a positive predictive value of 95%. This variant disrupts the p.Glu589 amino acid residue in BTK. Other variant(s) that disrupt this residue have been observed in individuals with BTK-related conditions (PMID: 7849721, 10612838; internal data), which suggests that this may be a clinically significant amino acid residue. In summary, the currently available evidence indicates that the variant is pathogenic, but additional data are needed to prove that conclusively. Therefore, this variant has been classified as Likely Pathogenic.

Literature cited by the submitters: PubMed 9545398; PubMed 7849721; PubMed 10612838.

NM_000061.3(BTK):c.1767A>T (p.Glu589Asp)

Gene: BTK (Bruton tyrosine kinase; minus strand). Cytogenetic location: Xq22.1.
Variant type: single nucleotide variant.
Coding change: c.1767A>T on transcript NM_000061.3 (MANE Select); coding-DNA position 1767, A replaced by T.
Protein change: p.Glu589Asp; replaces glutamic acid 589 with aspartic acid.
Molecular consequence: missense variant.
Genome position (GRCh38, 1-based): chrX:101,353,335, T>A on the plus strand (A>T on the coding strand, the complement: BTK is on the minus strand). VCF-style: chrX-101353335-T-A. GRCh37 (hg19) VCF-style: chrX-100608323-T-A.
Other names: c.1869A>T, p.Glu623Asp (NM_001287344.2); c.1239A>T, p.Glu413Asp (NM_001287345.2); short protein forms E413D, E623D, E589D.
Identifiers: ClinVar variation 4710825 (VCV004710825.1).